The following is an entry in ClinVar:

NM_000090.4(COL3A1):c.1966C>T (p.Pro656Ser)

Gene: COL3A1 (collagen type III alpha 1 chain; plus strand). Cytogenetic location: 2q32.2.
Variant type: single nucleotide variant.
Coding change: c.1966C>T on transcript NM_000090.4 (MANE Select); coding-DNA position 1966, C replaced by T.
Protein change: p.Pro656Ser; replaces proline 656 with serine.
Molecular consequence: missense variant.
Genome position (GRCh38, 1-based): chr2:188,998,308, C>T. VCF-style: chr2-188998308-C-T. GRCh37 (hg19) VCF-style: chr2-189863034-C-T.
Other names: short protein forms P656S.
Identifiers: ClinVar variation 3894038 (VCV003894038.1).

ClinVar aggregate classification (germline): Uncertain significance (1 of 4 stars; one submission).

Conditions:
Familial thoracic aortic aneurysm and aortic dissection (TAAD). Also called: Thoracic aortic aneurysms and dissections. Identifiers: Orphanet 91387, MedGen C4707243, MONDO:0019625.

Submission:

Color Diagnostics, LLC DBA Color Health
Classification: Uncertain significance for Familial thoracic aortic aneurysm and aortic dissection. Last evaluated: 2024-08-12. Review status: criteria provided, single submitter. Criteria: ACMG Guidelines, 2015. Collection method: clinical testing. Allele origin: germline.
Comment: This missense variant replaces proline with serine at codon 656 of the COL3A1 protein. Computational prediction is inconclusive regarding the impact of this variant on protein structure and function (internally defined REVEL score threshold 0.5 < inconclusive < 0.7, PMID: 27666373). To our knowledge, functional studies have not been reported for this variant. This variant has not been reported in individuals affected with COL3A1-related disorders in the literature. This variant has not been identified in the general population by the Genome Aggregation Database (gnomAD). The available evidence is insufficient to determine the role of this variant in disease conclusively. Therefore, this variant is classified as a Variant of Uncertain Significance.